The following is an entry in ClinVar:

ClinVar aggregate classification (germline): Benign (0 of 4 stars; one submission).

Conditions:
MYO16-related disorder. Also called: MYO16-related condition.

Allele frequency attached by ClinVar (database versions not stated): ESP Exome Variant Server 0.02353; TOPMed 0.03094; gnomAD 0.03335; gnomAD exomes 0.04141; ExAC 0.05364; 1000 Genomes Project 30x 0.07854; 1000 Genomes Project 0.08327.
gnomAD v4.1: 65,612 of 1,597,600 alleles (4.1%); highest among the groups gnomAD compares: East Asian, 25%; 2,996 homozygotes.

Submission:

PreventionGenetics, part of Exact Sciences
Classification: Benign for MYO16-related condition. Last evaluated: 2019-10-18. Review status: no assertion criteria provided. Collection method: clinical testing. Allele origin: germline.
Comment: This variant is classified as benign based on ACMG/AMP sequence variant interpretation guidelines (Richards et al. 2015 PMID: 25741868, with internal and published modifications).

NM_001198950.3(MYO16):c.609T>A (p.Asp203Glu)

Gene: MYO16 (myosin XVI; plus strand). Cytogenetic location: 13q33.3.
Variant type: single nucleotide variant.
Coding change: c.609T>A on transcript NM_001198950.3 (MANE Select); coding-DNA position 609, T replaced by A.
Protein change: p.Asp203Glu; replaces aspartic acid 203 with glutamic acid.
Molecular consequence: missense variant.
Genome position (GRCh38, 1-based): chr13:108,785,736, T>A. VCF-style: chr13-108785736-T-A. GRCh37 (hg19) VCF-style: chr13-109438084-T-A.
Other names: c.543T>A, p.Asp181Glu (NM_015011.3); short protein forms D181E, D203E.
Identifiers: ClinVar variation 3059259 (VCV003059259.2), dbSNP rs911973, ClinGen allele CA7044472.